The following is an entry in ClinVar:

ClinVar aggregate classification (germline): Benign/Likely benign. Review status: criteria provided, multiple submitters, no conflicts (2 of 4 stars). 7 submissions from 7 submitters: Benign (3); Likely benign (4). Last evaluated 2026-07-01.

Conditions:
ARID1B-Related Disorder. Identifiers: MedGen CN381337.
Inborn genetic diseases. Identifiers: MedGen C0950123, MeSH D030342.
Coffin-Siris syndrome 1 (CSS1). Also called: Mental retardation, autosomal dominant 12; ARID1B-Related Coffin-Siris Syndrome. Identifiers: Orphanet 1465, MedGen C3281201, MONDO:0007617, OMIM 135900. Disease mechanism: gain of function.

Allele frequency attached by ClinVar (database versions not stated): gnomAD exomes 0.00058; 1000 Genomes Project 0.00060; TOPMed 0.00066; gnomAD 0.00067; ExAC 0.00070; 1000 Genomes Project 30x 0.00078; ESP Exome Variant Server 0.00092.
gnomAD v4.1: 2,266 of 1,611,882 alleles (0.14%); highest among the groups gnomAD compares: Non-Finnish European, 0.18%; 3 homozygotes.

Submissions (7):

CeGaT Center for Human Genetics Tuebingen
Classification: Likely benign. Last evaluated: 2026-07-01. Review status: criteria provided, single submitter. Criteria: CeGaT Center For Human Genetics Tuebingen Variant Classification Criteria Version 2. Collection method: clinical testing. Allele origin: germline. Affected: yes. Observed: 8 variant alleles.
Comment: ARID1B: BP4, BP7, BS1

PreventionGenetics, part of Exact Sciences
Classification: Likely benign for ARID1B-related condition. Last evaluated: 2026-04-23. Review status: criteria provided, single submitter. Criteria: ACMG Guidelines, 2015. Collection method: clinical testing. Allele origin: germline.
Comment: This variant is classified as likely benign based on ACMG/AMP sequence variant interpretation guidelines (Richards et al. 2015 PMID: 25741868, with internal and published modifications).

Labcorp Genetics (formerly Invitae), Labcorp
Classification: Benign. Last evaluated: 2026-01-15. Review status: criteria provided, single submitter. Criteria: Invitae Variant Classification Sherloc (09022015). Collection method: clinical testing. Allele origin: germline.

Blueprint Genetics
Classification: Likely benign. Last evaluated: 2024-11-25. Review status: criteria provided, single submitter. Criteria: ACMG Guidelines, 2015. Collection method: clinical testing. Allele origin: germline.

Genome-Nilou Lab
Classification: Benign for Coffin-Siris syndrome 1. Last evaluated: 2021-07-15. Review status: criteria provided, single submitter. Criteria: ACMG Guidelines, 2015. Collection method: clinical testing. Allele origin: germline. Affected: no.

GeneDx
Classification: Benign. Last evaluated: 2019-10-01. Review status: criteria provided, single submitter. Criteria: GeneDx Variant Classification Process June 2021. Collection method: clinical testing. Allele origin: germline. Affected: yes.

Ambry Genetics
Classification: Likely benign for Inborn genetic diseases. Last evaluated: 2016-10-17. Review status: criteria provided, single submitter. Criteria: Ambry Variant Classification Scheme 2023. Collection method: clinical testing. Allele origin: germline.

NM_001374828.1(ARID1B):c.3072G>C (p.Ala1024=)

Gene: ARID1B (AT-rich interaction domain 1B; plus strand). Cytogenetic location: 6q25.3.
Variant type: single nucleotide variant.
Coding change: c.3072G>C on transcript NM_001374828.1 (MANE Select); coding-DNA position 3072, G replaced by C.
Protein change: p.Ala1024=; no amino-acid change (alanine 1024 retained).
Molecular consequence: synonymous variant.
Genome position (GRCh38, 1-based): chr6:157,148,934, G>C. VCF-style: chr6-157148934-G-C. GRCh37 (hg19) VCF-style: chr6-157470068-G-C.
Other names: c.2862G>C, p.Ala954= (NM_020732.3); c.573G>C, p.Ala191= (NM_001363725.2); c.3111G>C, p.Ala1037= (NM_001371656.1, NM_001374820.1); c.3072G>C, p.Ala1024= (NM_017519.3).
Identifiers: ClinVar variation 588348 (VCV000588348.76), dbSNP rs148749268, ClinGen allele CA4067184.